The following is an entry in ClinVar:

NM_000393.5(COL5A2):c.3544G>T (p.Gly1182Cys)

Gene: COL5A2 (collagen type V alpha 2 chain; minus strand). Cytogenetic location: 2q32.2.
Variant type: single nucleotide variant.
Coding change: c.3544G>T on transcript NM_000393.5 (MANE Select); coding-DNA position 3544, G replaced by T.
Protein change: p.Gly1182Cys; replaces glycine 1182 with cysteine.
Molecular consequence: missense variant.
Genome position (GRCh38, 1-based): chr2:189,041,675, C>A on the plus strand (G>T on the coding strand, the complement: COL5A2 is on the minus strand). VCF-style: chr2-189041675-C-A. GRCh37 (hg19) VCF-style: chr2-189906401-C-A.
Other names: short protein forms G1182C.
Identifiers: ClinVar variation 391610 (VCV000391610.2), dbSNP rs1057524163, ClinGen allele CA16604076.

ClinVar aggregate classification (germline): Likely pathogenic (1 of 4 stars; one submission).

Submission:

GeneDx
Classification: Likely pathogenic. Last evaluated: 2016-12-28. Review status: criteria provided, single submitter. Criteria: GeneDx Variant Classification (06012015). Collection method: clinical testing. Allele origin: germline. Affected: yes.
Comment: The G1182C variant in the COL5A2 gene has not been reported previously as a pathogenic variant, nor as a benign variant, to our knowledge. The G1182C variant was not observed in approximately 6500 individuals of European and African American ancestry in the NHLBI Exome Sequencing Project, indicating it is not a common benign variant in these populations. The G1182C variant is a non-conservative amino acid substitution, which is likely to impact secondary protein structure as these residues differ in polarity, charge, size and/or other properties. This substitution occurs at a position that is conserved across species. In silico analysis predicts this variant is probably damaging to the protein structure/function. As an alternate mechanism, multiple in silico algorithms predict that this sequence change might strengthen a cryptic splice acceptor site within exon 50, which may supplant the natural splice acceptor site of intron 49. However, in the absence of RNA/functional studies, the actual effect of this sequence change in this individual is unknown. The G1182C variant is a strong candidate for a pathogenic variant, however, the possibility it may be a rare benign variant cannot be excluded.